The following is an entry in ClinVar:

NM_201596.3(CACNB2):c.1177A>G (p.Ile393Val)

Gene: CACNB2 (calcium voltage-gated channel auxiliary subunit beta 2; plus strand). Cytogenetic location: 10p12.31.
Variant type: single nucleotide variant.
Coding change: c.1177A>G on transcript NM_201596.3 (MANE Select); coding-DNA position 1177, A replaced by G.
Protein change: p.Ile393Val; replaces isoleucine 393 with valine.
Molecular consequence: missense variant.
Genome position (GRCh38, 1-based): chr10:18,534,198, A>G. VCF-style: chr10-18534198-A-G. GRCh37 (hg19) VCF-style: chr10-18823127-A-G.
Other names: c.1012A>G, p.Ile338Val (NM_000724.4); c.979A>G, p.Ile327Val (NM_001167945.2); c.898A>G, p.Ile300Val (NM_001330060.2); c.919A>G, p.Ile307Val (NM_001410882.1); c.1033A>G, p.Ile345Val (NM_201570.3); c.1093A>G, p.Ile365Val (NM_201571.4); c.1021A>G, p.Ile341Val (NM_201572.4); c.1015A>G, p.Ile339Val (NM_201590.3); and 2 more; short protein forms I327V, I338V, I341V, I300V, I339V, I355V, I365V, I369V.
Identifiers: ClinVar variation 1937987 (VCV001937987.5), dbSNP rs2494779411, ClinGen allele CA376068110.
Genomic context (GRCh38, chr10:18,534,198, plus strand): 5'-CTTGACGCGGATACAATTAATCATCCAGCTCAACTCAGTAAAACCTCCTTGGCCCCTATT[A>G]TAGTATATGTAAAGATTTCTTCTCCTAAGGTAAGTAGGACTGCTACTGTTTGCTCTATAA-3'
Protein context (NP_963890.2, residues 383-403): QLSKTSLAPI[Ile393Val]VYVKISSPKV

ClinVar aggregate classification (germline): Uncertain significance (1 of 4 stars; one submission).

Conditions:
Brugada syndrome 4 (BRGDA4). Identifiers: Orphanet 130, MedGen C2678477, MONDO:0012743, OMIM 611876.

gnomAD v4.1: 1 of 1,613,440 alleles (0.000062%); no homozygotes.

Submission:

Labcorp Genetics (formerly Invitae), Labcorp
Classification: Uncertain significance for Brugada syndrome 4. Last evaluated: 2022-07-12. Review status: criteria provided, single submitter. Criteria: Invitae Variant Classification Sherloc (09022015). Collection method: clinical testing. Allele origin: germline.
Comment: This sequence change replaces isoleucine, which is neutral and non-polar, with valine, which is neutral and non-polar, at codon 339 of the CACNB2 protein (p.Ile339Val). In summary, the available evidence is currently insufficient to determine the role of this variant in disease. Therefore, it has been classified as a Variant of Uncertain Significance. Algorithms developed to predict the effect of missense changes on protein structure and function output the following: SIFT: "Tolerated"; PolyPhen-2: "Benign"; Align-GVGD: "Class C0". The valine amino acid residue is found in multiple mammalian species, which suggests that this missense change does not adversely affect protein function. This variant has not been reported in the literature in individuals affected with CACNB2-related conditions. This variant is not present in population databases (gnomAD no frequency).